The following is an entry in ClinVar:

ClinVar aggregate classification (germline): Conflicting classifications of pathogenicity. Review status: criteria provided, conflicting classifications (1 of 4 stars). 4 submissions from 4 submitters: Uncertain significance (3); Likely benign (1). Last evaluated 2025-12-24.

Conditions:
Rubinstein-Taybi syndrome due to CREBBP mutations (RSTS1). Also called: CREBBP-Related Rubinstein-Taybi Syndrome; RUBINSTEIN-TAYBI SYNDROME 1, INCOMPLETE; BROAD THUMB-HALLUX SYNDROME; RUBINSTEIN SYNDROME; Rubinstein-Taybi syndrome 1; BROAD THUMBS AND GREAT TOES, CHARACTERISTIC FACIES, AND IMPAIRED INTELLECTUAL DEVELOPMENT. Identifiers: Orphanet 353277, Orphanet 783, MedGen C4551859, MONDO:0008393, OMIM 180849.
Menke-Hennekam syndrome 1 (MKHK1). Identifiers: MedGen C5193034, MONDO:0020763, OMIM 618332.
CREBBP-related disorder. Also called: CREBBP-related disorders; CREBBP-related condition.
Rubinstein-Taybi syndrome (RSTS). Identifiers: Orphanet 783, MedGen C0035934, MONDO:0019188.
Inborn genetic diseases. Identifiers: MedGen C0950123, MeSH D030342.

Allele frequency attached by ClinVar (database versions not stated): TOPMed below 0.00001; gnomAD 0.00001; ESP Exome Variant Server 0.00008.
gnomAD v4.1: 7 of 1,612,224 alleles (0.00043%); highest among the groups gnomAD compares: Non-Finnish European, 0.00059%; no homozygotes.

Submissions (4):

Ambry Genetics
Classification: Uncertain significance for Inborn genetic diseases. Last evaluated: 2025-12-24. Review status: criteria provided, single submitter. Criteria: Ambry Variant Classification Scheme 2023. Collection method: clinical testing. Allele origin: germline.
Comment: The c.2347A>G (p.M783V) alteration is located in exon 13 (coding exon 13) of the CREBBP gene. This alteration results from a A to G substitution at nucleotide position 2347, causing the methionine (M) at amino acid position 783 to be replaced by a valine (V). Based on data from gnomAD, the G allele has an overall frequency of <0.001% (1/251450) total alleles studied. The highest observed frequency was 0.001% (1/113728) of European (non-Finnish) alleles. Based on insufficient or conflicting evidence, the clinical significance of this alteration remains unclear.

PreventionGenetics, part of Exact Sciences
Classification: Uncertain significance for CREBBP-related condition. Last evaluated: 2025-08-05. Review status: criteria provided, single submitter. Criteria: ACMG Guidelines, 2015. Collection method: clinical testing. Allele origin: germline.
Comment: The CREBBP c.2347A>G variant is predicted to result in the amino acid substitution p.Met783Val. To our knowledge, this variant has not been reported in the literature. This variant is reported in 0.00088% of alleles in individuals of European (Non-Finnish) descent in gnomAD. At this time, the clinical significance of this variant is uncertain due to the absence of conclusive functional and genetic evidence.

Labcorp Genetics (formerly Invitae), Labcorp
Classification: Likely benign for Rubinstein-Taybi syndrome. Last evaluated: 2025-02-03. Review status: criteria provided, single submitter. Criteria: Invitae Variant Classification Sherloc (09022015). Collection method: clinical testing. Allele origin: germline.

Fulgent Genetics
Classification: Uncertain significance for Rubinstein-Taybi syndrome due to CREBBP mutations; Menke-Hennekam syndrome 1. Last evaluated: 2024-01-20. Review status: criteria provided, single submitter. Criteria: ACMG Guidelines, 2015. Collection method: clinical testing. Allele origin: germline.

NM_004380.3(CREBBP):c.2347A>G (p.Met783Val)

Gene: CREBBP (CREB binding lysine acetyltransferase; minus strand). Cytogenetic location: 16p13.3.
Variant type: single nucleotide variant.
Coding change: c.2347A>G on transcript NM_004380.3 (MANE Select); coding-DNA position 2347, A replaced by G.
Protein change: p.Met783Val; replaces methionine 783 with valine.
Molecular consequence: missense variant.
Genome position (GRCh38, 1-based): chr16:3,773,867, T>C on the plus strand (A>G on the coding strand, the complement: CREBBP is on the minus strand). VCF-style: chr16-3773867-T-C. GRCh37 (hg19) VCF-style: chr16-3823868-T-C.
Other names: c.2347A>G (NM_004380.2); c.2233A>G, p.Met745Val (NM_001079846.1); short protein forms M745V, M783V.
Identifiers: ClinVar variation 1954827 (VCV001954827.8), dbSNP rs144200709, ClinGen allele CA7870159.